The following is an entry in ClinVar:

ClinVar aggregate classification (germline): Uncertain significance (1 of 4 stars; one submission).

Allele frequency attached by ClinVar (database versions not stated): gnomAD 0.00001; ExAC 0.00002; TOPMed 0.00002; 1000 Genomes Project 0.00020; 1000 Genomes Project 30x 0.00031.
gnomAD v4.1: 12 of 1,614,012 alleles (0.00074%); highest among the groups gnomAD compares: East Asian, 0.022%; no homozygotes.

Submission:

Women's Health and Genetics/Laboratory Corporation of America, LabCorp
Classification: Uncertain significance. Last evaluated: 2024-04-23. Review status: criteria provided, single submitter. Criteria: LabCorp Variant Classification Summary - May 2015. Collection method: clinical testing. Allele origin: germline.
Comment: Variant summary: UBAP1 c.899C>A (p.Thr300Asn) results in a non-conservative amino acid change in the encoded protein sequence. Three of five in-silico tools predict a damaging effect of the variant on protein function. The variant allele was found at a frequency of 3.2e-05 in 251256 control chromosomes (gnomAD). The available data on variant occurrences in the general population are insufficient to allow any conclusion about variant significance. To our knowledge, no occurrence of c.899C>A in individuals affected with Spastic Paraplegia 80, Autosomal Dominant and no experimental evidence demonstrating its impact on protein function have been reported. No submitters have cited clinical-significance assessments for this variant to ClinVar. Based on the evidence outlined above, the variant was classified as uncertain significance.

NM_016525.5(UBAP1):c.707C>A (p.Thr236Asn)

Gene: UBAP1 (ubiquitin associated protein 1; plus strand). Cytogenetic location: 9p13.3.
Variant type: single nucleotide variant.
Coding change: c.707C>A on transcript NM_016525.5 (MANE Select); coding-DNA position 707, C replaced by A.
Protein change: p.Thr236Asn; replaces threonine 236 with asparagine.
Molecular consequence: missense variant. On other transcripts: non-coding transcript variant (1).
Genome position (GRCh38, 1-based): chr9:34,241,732, C>A. VCF-style: chr9-34241732-C-A. GRCh37 (hg19) VCF-style: chr9-34241730-C-A.
Other names: c.899C>A, p.Thr300Asn (NM_001171201.1); c.815C>A, p.Thr272Asn (NM_001171202.1); c.707C>A, p.Thr236Asn (NM_001171203.3, NM_001171204.3); short protein forms T236N, T272N, T300N.
Identifiers: ClinVar variation 3251760 (VCV003251760.1), dbSNP rs201070690.
Genomic context (GRCh38, chr9:34,241,732, plus strand): 5'-CATCCTTGGAACGGGCAACCCTAGATTTCAAGCCTCTTCATAAACCCAATGGCTTTATAA[C>A]CTTACCACAGTTGGGCAACTGTGAAAAGATGTCACTGTCTTCCAAAGTGTCCCTCCCCCC-3'
Protein context (NP_057609.2, residues 226-246): KPLHKPNGFI[Thr236Asn]LPQLGNCEKM